The following is an entry in ClinVar:

ClinVar aggregate classification (germline): Uncertain significance. Review status: criteria provided, multiple submitters, no conflicts (2 of 4 stars). 3 submissions from 3 submitters: Uncertain significance (3). Last evaluated 2025-05-27.

Conditions:
Glycogen storage disease type III (GSD3). Also called: FORBES DISEASE; Cori disease. Identifiers: Orphanet 366, MedGen C0017922, MONDO:0009291, OMIM 232400.

Allele frequency attached by ClinVar (database versions not stated): gnomAD exomes below 0.00001; ExAC 0.00001; gnomAD 0.00001.
gnomAD v4.1: 3 of 1,613,962 alleles (0.00019%); highest among the groups gnomAD compares: Non-Finnish European, 0.00025%; no homozygotes.

Submissions (3):

Labcorp Genetics (formerly Invitae), Labcorp
Classification: Uncertain significance for Glycogen storage disease type III. Last evaluated: 2025-05-27. Review status: criteria provided, single submitter. Criteria: Invitae Variant Classification Sherloc (09022015). Collection method: clinical testing. Allele origin: germline.
Comment: This sequence change replaces tryptophan, which is neutral and slightly polar, with cysteine, which is neutral and slightly polar, at codon 680 of the AGL protein (p.Trp680Cys). This variant is present in population databases (rs756760991, gnomAD 0.002%). This variant has not been reported in the literature in individuals affected with AGL-related conditions. ClinVar contains an entry for this variant (Variation ID: 806175). Invitae Evidence Modeling of protein sequence and biophysical properties (such as structural, functional, and spatial information, amino acid conservation, physicochemical variation, residue mobility, and thermodynamic stability) indicates that this missense variant is expected to disrupt AGL protein function with a positive predictive value of 80%. Algorithms developed to predict the effect of sequence changes on RNA splicing suggest that this variant may disrupt the consensus splice site. In summary, the available evidence is currently insufficient to determine the role of this variant in disease. Therefore, it has been classified as a Variant of Uncertain Significance.

Genome-Nilou Lab
Classification: Uncertain significance for Glycogen storage disease type III. Last evaluated: 2023-04-11. Review status: criteria provided, single submitter. Criteria: ACMG Guidelines, 2015. Collection method: clinical testing. Allele origin: germline. Affected: no.

CeGaT Center for Human Genetics Tuebingen
Classification: Uncertain significance. Last evaluated: 2017-09-01. Review status: criteria provided, single submitter. Criteria: CeGaT Center For Human Genetics Tuebingen Variant Classification Criteria Version 2. Collection method: clinical testing. Allele origin: germline. Affected: yes. Observed: 1 variant allele.

NM_000642.3(AGL):c.2040G>T (p.Trp680Cys)

Gene: AGL (amylo-alpha-1,6-glucosidase and 4-alpha-glucanotransferase; plus strand). Cytogenetic location: 1p21.2.
Variant type: single nucleotide variant.
Coding change: c.2040G>T on transcript NM_000642.3 (MANE Select); coding-DNA position 2040, G replaced by T.
Protein change: p.Trp680Cys; replaces tryptophan 680 with cysteine.
Molecular consequence: missense variant.
Genome position (GRCh38, 1-based): chr1:99,881,330, G>T. VCF-style: chr1-99881330-G-T. GRCh37 (hg19) VCF-style: chr1-100346886-G-T.
Other names: c.2040G>T, p.Trp680Cys (NM_000028.3, NM_000643.3, NM_000644.3 and 2 more transcripts); c.1992G>T, p.Trp664Cys (NM_000646.3); c.1839G>T, p.Trp613Cys (NM_001425327.1); c.1836G>T, p.Trp612Cys (NM_001425328.1, NM_001425329.1); c.1662G>T, p.Trp554Cys (NM_001425332.1); short protein forms W664C, W680C, W554C, W612C, W613C.
Identifiers: ClinVar variation 806175 (VCV000806175.46), dbSNP rs756760991, ClinGen allele CA966682.